The following is an entry in ClinVar:

NM_001372.4(DNAH9):c.11112+10A>G

Gene: DNAH9 (dynein axonemal heavy chain 9; plus strand). Cytogenetic location: 17p12.
Variant type: single nucleotide variant.
Coding change: c.11112+10A>G on transcript NM_001372.4 (MANE Select); 10 bases into the intron after coding-DNA position 11112, A replaced by G.
Molecular consequence: intron variant.
Genome position (GRCh38, 1-based): chr17:11,886,975, A>G. VCF-style: chr17-11886975-A-G. GRCh37 (hg19) VCF-style: chr17-11790292-A-G.
Other names: p.?; c.48+10A>G (NM_004662.2).
Identifiers: ClinVar variation 1649306 (VCV001649306.10), dbSNP rs201334916, ClinGen allele CA8397730.

ClinVar aggregate classification (germline): Benign/Likely benign. Review status: criteria provided, multiple submitters, no conflicts (2 of 4 stars). 3 submissions from 3 submitters: Benign (1); Likely benign (2). Last evaluated 2026-01-22.

Allele frequency attached by ClinVar (database versions not stated): gnomAD exomes 0.00073; ExAC 0.00078; 1000 Genomes Project 0.00180; gnomAD 0.00197 and 0.00203; ESP Exome Variant Server 0.00231; 1000 Genomes Project 30x 0.00250; TOPMed 0.00255.
gnomAD v4.1: 686 of 1,605,426 alleles (0.043%); highest among the groups gnomAD compares: African/African-American, 0.6%; 1 homozygote.

Submissions (3):

Labcorp Genetics (formerly Invitae), Labcorp
Classification: Benign. Last evaluated: 2026-01-22. Review status: criteria provided, single submitter. Criteria: Invitae Variant Classification Sherloc (09022015). Collection method: clinical testing. Allele origin: germline.

Mayo Clinic Laboratories, Mayo Clinic
Classification: Likely benign. Last evaluated: 2025-10-19. Review status: criteria provided, single submitter. Criteria: ACMG Guidelines, 2015. Collection method: clinical testing. Allele origin: germline. Observed: 2 variant alleles.
Comment: BS1, BP4, BP7

Blueprint Genetics
Classification: Likely benign. Last evaluated: 2024-10-18. Review status: criteria provided, single submitter. Criteria: ACMG Guidelines, 2015. Collection method: clinical testing. Allele origin: germline.